The following is an entry in ClinVar:

ClinVar aggregate classification (germline): Pathogenic (1 of 4 stars; one submission).

Conditions:
Chédiak-Higashi syndrome (CHS). Also called: Chediak-Higashi Syndrome. Identifiers: Orphanet 167, MedGen C0007965, MONDO:0008963, OMIM 214500.

Allele frequency attached by ClinVar (database versions not stated): TOPMed below 0.00001; gnomAD 0.00001.

Submission:

Labcorp Genetics (formerly Invitae), Labcorp
Classification: Pathogenic for Chédiak-Higashi syndrome. Last evaluated: 2022-07-07. Review status: criteria provided, single submitter. Criteria: Invitae Variant Classification Sherloc (09022015). Collection method: clinical testing. Allele origin: germline.
Comment: For these reasons, this variant has been classified as Pathogenic. This variant has not been reported in the literature in individuals affected with LYST-related conditions. This variant is not present in population databases (gnomAD no frequency). This sequence change creates a premature translational stop signal (p.Ser2920Argfs*11) in the LYST gene. It is expected to result in an absent or disrupted protein product. Loss-of-function variants in LYST are known to be pathogenic (PMID: 9215679, 11857544).

Literature cited by the submitters: PubMed 9215679; PubMed 11857544.

NM_000081.4(LYST):c.8760del (p.Ser2920fs)

Gene: LYST (lysosomal trafficking regulator; minus strand). Cytogenetic location: 1q42.3.
Variant type: Deletion.
Coding change: c.8760del on transcript NM_000081.4 (MANE Select); coding-DNA position 8760, one base deleted (C; older notation c.8760delC).
Protein change: p.Ser2920fs; shifts the reading frame from serine 2920.
Molecular consequence: frameshift variant.
Genome position (GRCh38, 1-based): chr1:235,733,544, G deleted on the plus strand (C on the coding strand, the reverse complement: LYST is on the minus strand). VCF-style (leftmost placement, unchanged base first): chr1-235733543-TG-T. GRCh37 (hg19) VCF-style: chr1-235896843-TG-T.
Other names: c.8760del, p.Ser2920fs (NM_001301365.1); short protein forms S2920fs.
Identifiers: ClinVar variation 2012301 (VCV002012301.4), dbSNP rs1411819028, ClinGen allele CA733087220.
Genomic context (GRCh38, chr1:235,733,543, plus strand): 5'-ACTGACCTCCCGCAGCTTACCTATCATGTGTCAGCTGCTGAATAAGTTCCTGCCAATGTC[TG>T]CTGGCACTCAAATCTACTTTATACATTCCTCTAATATGCTGGATCACCTTTTTTCTCTCA-3'